The following is an entry in ClinVar:

NM_000222.3(KIT):c.2144G>A (p.Ser715Asn)

Gene: KIT (KIT proto-oncogene, receptor tyrosine kinase; plus strand). Cytogenetic location: 4q12.
Variant type: single nucleotide variant.
Coding change: c.2144G>A on transcript NM_000222.3 (MANE Select); coding-DNA position 2144, G replaced by A.
Protein change: p.Ser715Asn; replaces serine 715 with asparagine.
Molecular consequence: missense variant. On other transcripts: splice acceptor variant (4).
Genome position (GRCh38, 1-based): chr4:54,731,330, G>A. VCF-style: chr4-54731330-G-A. GRCh37 (hg19) VCF-style: chr4-55597496-G-A.
Other names: c.2132G>A, p.Ser711Asn (NM_001093772.2); c.2147G>A, p.Ser716Asn (NM_001385284.1); c.2135G>A, p.Ser712Asn (NM_001385288.1); c.2145-1G>A (NM_001385290.1); c.2133-1G>A (NM_001385292.1); c.2142-1G>A (NM_001385285.1); c.2130-1G>A (NM_001385286.1); short protein forms S711N, S715N, S712N, S716N.
Identifiers: ClinVar variation 643427 (VCV000643427.10), dbSNP rs56094246, ClinGen allele CA96878017.
Genomic context (GRCh38, chr4:54,731,330, plus strand): 5'-TGAGTGCCCTTCTACATGTCCCACTTGATTCAGTCATGACTTGTTTCATCTCTCCCAGCA[G>A]CGATAGTACTAATGAGTACATGGACATGAAACCTGGAGTTTCTTATGTTGTCCCAACCAA-3'
Protein context (NP_000213.1, residues 705-725): NLLHSKESSC[Ser715Asn]DSTNEYMDMK

ClinVar aggregate classification (germline): Conflicting classifications of pathogenicity. Review status: criteria provided, conflicting classifications (1 of 4 stars). 2 submissions from 2 submitters: Uncertain significance (1); Likely benign (1). Last evaluated 2025-07-04.

Conditions:
Hereditary cancer-predisposing syndrome. Also called: Hereditary Cancer Syndrome; Tumor predisposition; Neoplastic Syndromes, Hereditary; Hereditary neoplastic syndrome. Identifiers: Orphanet 140162, MedGen C0027672, MeSH D009386, MONDO:0015356.
Gastrointestinal stromal tumor. Also called: Gastrointestinal stromal tumor, somatic; Gastrointestinal stroma tumor. Identifiers: Orphanet 44890, MedGen C0238198, MeSH D046152, MONDO:0011719, OMIM 606764, HP:0100723.

Allele frequency attached by ClinVar (database versions not stated): gnomAD exomes 0.00001; TOPMed 0.00001; gnomAD 0.00001.
gnomAD v4.1: 11 of 1,611,206 alleles (0.00068%); highest among the groups gnomAD compares: Non-Finnish European, 0.00093%; no homozygotes.

Submissions (2):

Labcorp Genetics (formerly Invitae), Labcorp
Classification: Uncertain significance for Gastrointestinal stromal tumor. Last evaluated: 2025-07-04. Review status: criteria provided, single submitter. Criteria: Invitae Variant Classification Sherloc (09022015). Collection method: clinical testing. Allele origin: germline.
Comment: This sequence change replaces serine, which is neutral and polar, with asparagine, which is neutral and polar, at codon 715 of the KIT protein (p.Ser715Asn). This variant is present in population databases (rs56094246, gnomAD 0.01%). This variant has not been reported in the literature in individuals affected with KIT-related conditions. ClinVar contains an entry for this variant (Variation ID: 643427). An algorithm developed to predict the effect of missense changes on protein structure and function outputs the following: PolyPhen-2: "Benign". The asparagine amino acid residue is found in multiple mammalian species, which suggests that this missense change does not adversely affect protein function. In summary, the available evidence is currently insufficient to determine the role of this variant in disease. Therefore, it has been classified as a Variant of Uncertain Significance.

Ambry Genetics
Classification: Likely benign for Hereditary cancer-predisposing syndrome. Last evaluated: 2025-03-25. Review status: criteria provided, single submitter. Criteria: Ambry Variant Classification Scheme 2023. Collection method: clinical testing. Allele origin: germline.